The following is an entry in ClinVar:

ClinVar aggregate classification (germline): Uncertain significance. Review status: criteria provided, single submitter (1 of 4 stars). 2 submissions from 2 submitters: Uncertain significance (1). 1 of the submissions does not count toward it. Last evaluated 2018-04-10.

Conditions:
Familial long QT syndrome (RWS). Also called: Congenital long QT syndrome; Romano-Ward syndrome; VENTRICULAR FIBRILLATION WITH PROLONGED QT INTERVAL. Identifiers: Orphanet 768, MedGen C1141890, MONDO:0019171.
Long QT syndrome (LQTS). Identifiers: MedGen C0023976, MeSH D008133, MONDO:0002442. Disease mechanism: loss of function. Inheritance: Various modes of inheritance.

Submissions (2):

Labcorp Genetics (formerly Invitae), Labcorp
Classification: Uncertain significance for Long QT syndrome. Last evaluated: 2018-04-10. Review status: criteria provided, single submitter. Criteria: Invitae Variant Classification Sherloc (09022015). Collection method: clinical testing. Allele origin: germline.
Comment: This sequence change replaces isoleucine with threonine at codon 30 of the KCNH2 protein (p.Ile30Thr). The isoleucine residue is weakly conserved and there is a moderate physicochemical difference between isoleucine and threonine. This variant is not present in population databases (ExAC no frequency). This variant was reported in an individual referred for long QT syndrome testing (PMID: 19716085). ClinVar contains an entry for this variant (Variation ID: 67541). Algorithms developed to predict the effect of missense changes on protein structure and function do not agree on the potential impact of this missense change (SIFT: "Tolerated"; PolyPhen-2: "Possibly Damaging"; Align-GVGD: "Class C0"). In summary, the available evidence is currently insufficient to determine the role of this variant in disease. Therefore, it has been classified as a Variant of Uncertain Significance.

Cardiovascular Biomedical Research Unit, Royal Brompton & Harefield NHS Foundation Trust
No classification provided. Condition: Familial long QT syndrome. Review status: no classification provided. Collection method: literature only. Allele origin: germline. Not counted in ClinVar's aggregate classification.
Comment: This variant has been reported as associated with Long QT syndrome in the following publications (PMID:19716085). This is a literature report, and does not necessarily reflect the clinical interpretation of the Imperial College / Royal Brompton Cardiovascular Genetics laboratory.

Literature cited by the submitters: PubMed 19716085 (cited by Labcorp Genetics (formerly Invitae), Labcorp and Cardiovascular Biomedical Research Unit, Royal Brompton & Harefield NHS Foundation Trust); PubMed 22581653 (cited by Cardiovascular Biomedical Research Unit, Royal Brompton & Harefield NHS Foundation Trust).

NM_000238.4(KCNH2):c.89T>C (p.Ile30Thr)

Gene: KCNH2 (potassium voltage-gated channel subfamily H member 2; minus strand). Cytogenetic location: 7q36.1.
Variant type: single nucleotide variant.
Coding change: c.89T>C on transcript NM_000238.4 (MANE Select); coding-DNA position 89, T replaced by C.
Protein change: p.Ile30Thr; replaces isoleucine 30 with threonine.
Molecular consequence: missense variant.
Genome position (GRCh38, 1-based): chr7:150,974,929, A>G on the plus strand (T>C on the coding strand, the complement: KCNH2 is on the minus strand). VCF-style: chr7-150974929-A-G. GRCh37 (hg19) VCF-style: chr7-150672017-A-G.
Other names: c.89T>C (LRG_288t1); c.-89T>C (NM_001406755.1); c.89T>C, p.Ile30Thr (NM_172056.3); short protein forms I30T.
Identifiers: ClinVar variation 67541 (VCV000067541.6), dbSNP rs199472832, ClinGen allele CA008968.